The following is an entry in ClinVar:

ClinVar aggregate classification (germline): Uncertain significance (1 of 4 stars; one submission).

Conditions:
Gorlin syndrome. Also called: Nevoid Basal Cell Carcinoma Syndrome; Basal cell nevus syndrome. Identifiers: Orphanet 377, MedGen C0004779, MONDO:0007187.

Submission:

Labcorp Genetics (formerly Invitae), Labcorp
Classification: Uncertain significance for Gorlin syndrome. Last evaluated: 2024-03-11. Review status: criteria provided, single submitter. Criteria: Invitae Variant Classification Sherloc (09022015). Collection method: clinical testing. Allele origin: germline.
Comment: This sequence change replaces aspartic acid, which is acidic and polar, with histidine, which is basic and polar, at codon 789 of the PTCH1 protein (p.Asp789His). This variant is not present in population databases (gnomAD no frequency). This variant has not been reported in the literature in individuals affected with PTCH1-related conditions. ClinVar contains an entry for this variant (Variation ID: 1011396). Advanced modeling of protein sequence and biophysical properties (such as structural, functional, and spatial information, amino acid conservation, physicochemical variation, residue mobility, and thermodynamic stability) performed at Invitae indicates that this missense variant is not expected to disrupt PTCH1 protein function with a negative predictive value of 95%. In summary, the available evidence is currently insufficient to determine the role of this variant in disease. Therefore, it has been classified as a Variant of Uncertain Significance.

NM_000264.5(PTCH1):c.2365G>C (p.Asp789His)

Genes: PTCH1 (patched 1; minus strand), LOC100507346 (uncharacterized LOC100507346; plus strand). Cytogenetic location: 9q22.32.
Variant type: single nucleotide variant.
Coding change: c.2365G>C on transcript NM_000264.5 (MANE Select); coding-DNA position 2365, G replaced by C.
Protein change: p.Asp789His; replaces aspartic acid 789 with histidine.
Molecular consequence: missense variant.
Genome position (GRCh38, 1-based): chr9:95,467,311, C>G on the plus strand (G>C on the coding strand, the complement: PTCH1 is on the minus strand). VCF-style: chr9-95467311-C-G. GRCh37 (hg19) VCF-style: chr9-98229593-C-G.
Other names: c.2167G>C, p.Asp723His (NM_001083602.3); c.2362G>C, p.Asp788His (NM_001083603.3); c.1912G>C, p.Asp638His (NM_001083604.3, NM_001083605.3, NM_001083606.3 and 1 more transcripts); c.2209G>C, p.Asp737His (NM_001354918.2); short protein forms D638H, D723H, D737H, D788H, D789H.
Identifiers: ClinVar variation 1011396 (VCV001011396.9), dbSNP rs1840096887, ClinGen allele CA374114472.
Genomic context (GRCh38, chr9:95,467,311, plus strand): 5'-TCTGGGTGACTATATACATGTTGTAGAAAGAAAAGTATTTGAATTGTGCAGCAATAAAGT[C>G]ATATTCTCTGGTTTCCCGAGGTACAATGTCCGTAAGGTCCAGCCCGTCTCTCACTCGGGT-3'
Protein context (NP_000255.2, residues 779-799): DIVPRETREY[Asp789His]FIAAQFKYFS